The following is an entry in ClinVar:

ClinVar aggregate classification (germline): Likely benign. Review status: criteria provided, multiple submitters, no conflicts (2 of 4 stars). 2 submissions from 2 submitters: Likely benign (2). Last evaluated 2024-09-12.

Conditions:
Hereditary diffuse gastric adenocarcinoma (HDGC). Also called: DIFFUSE GASTRIC AND LOBULAR BREAST CANCER SYNDROME. Identifiers: Orphanet 26106, MedGen C1708349, MONDO:0007648, OMIM 137215.

Allele frequency attached by ClinVar (database versions not stated): ExAC 0.00001.
gnomAD v4.1: 4 of 1,608,330 alleles (0.00025%); highest among the groups gnomAD compares: South Asian, 0.0033%; no homozygotes.

Submissions (2):

Myriad Genetics, Inc.
Classification: Likely benign for Hereditary diffuse gastric adenocarcinoma. Last evaluated: 2024-09-12. Review status: criteria provided, single submitter. Criteria: Myriad Autosomal Dominant, Autosomal Recessive and X-Linked Classification Criteria (2023). Collection method: clinical testing. Allele origin: unknown.
Comment: This variant is considered likely benign. This variant is intronic and is not expected to impact mRNA splicing.

Labcorp Genetics (formerly Invitae), Labcorp
Classification: Likely benign for Hereditary diffuse gastric adenocarcinoma. Last evaluated: 2023-11-20. Review status: criteria provided, single submitter. Criteria: Invitae Variant Classification Sherloc (09022015). Collection method: clinical testing. Allele origin: germline.

NM_004360.5(CDH1):c.164-7C>T

Gene: CDH1 (cadherin 1; plus strand). Cytogenetic location: 16q22.1.
Variant type: single nucleotide variant.
Coding change: c.164-7C>T on transcript NM_004360.5 (MANE Select); 7 bases into the intron before coding-DNA position 164, C replaced by T.
Molecular consequence: intron variant.
Genome position (GRCh38, 1-based): chr16:68,801,663, C>T. VCF-style: chr16-68801663-C-T. GRCh37 (hg19) VCF-style: chr16-68835566-C-T.
Other names: c.-1452-7C>T (NM_001317185.2); c.-1656-7C>T (NM_001317186.2); c.164-7C>T (NM_001317184.2).
Identifiers: ClinVar variation 2793009 (VCV002793009.4), dbSNP rs749836889, ClinGen allele CA8129806.